The following is an entry in ClinVar:

NM_002250.3(KCNN4):c.36G>C (p.Leu12Phe)

Gene: KCNN4 (potassium calcium-activated channel subfamily N member 4; minus strand). Cytogenetic location: 19q13.31.
Variant type: single nucleotide variant.
Coding change: c.36G>C on transcript NM_002250.3 (MANE Select); coding-DNA position 36, G replaced by C.
Protein change: p.Leu12Phe; replaces leucine 12 with phenylalanine.
Molecular consequence: missense variant.
Genome position (GRCh38, 1-based): chr19:43,780,826, C>G on the plus strand (G>C on the coding strand, the complement: KCNN4 is on the minus strand). VCF-style: chr19-43780826-C-G. GRCh37 (hg19) VCF-style: chr19-44284978-C-G.
Other names: short protein forms L12F.
Identifiers: ClinVar variation 2282735 (VCV002282735.5), dbSNP rs777432100, ClinGen allele CA9492119.

ClinVar aggregate classification (germline): Uncertain significance. Review status: criteria provided, multiple submitters, no conflicts (2 of 4 stars). 3 submissions from 3 submitters: Uncertain significance (3). Last evaluated 2025-10-27.

Conditions:
Dehydrated hereditary stomatocytosis 2 (DHS2). Also called: XEROCYTOSIS GARDOS; DESICCYTOSIS GARDOS. Identifiers: Orphanet 3202, MedGen C4225242, MONDO:0014737, OMIM 616689.
Inborn genetic diseases. Identifiers: MedGen C0950123, MeSH D030342.

Allele frequency attached by ClinVar (database versions not stated): ExAC 0.00002; TOPMed 0.00002; gnomAD 0.00003; gnomAD exomes 0.00003.
gnomAD v4.1: 52 of 1,613,930 alleles (0.0032%); highest among the groups gnomAD compares: Non-Finnish European, 0.0039%; no homozygotes.

Submissions (3):

Labcorp Genetics (formerly Invitae), Labcorp
Classification: Uncertain significance. Last evaluated: 2025-10-27. Review status: criteria provided, single submitter. Criteria: Invitae Variant Classification Sherloc (09022015). Collection method: clinical testing. Allele origin: germline.
Comment: This sequence change replaces leucine, which is neutral and non-polar, with phenylalanine, which is neutral and non-polar, at codon 12 of the KCNN4 protein (p.Leu12Phe). This variant is present in population databases (rs777432100, gnomAD 0.006%). This variant has not been reported in the literature in individuals affected with KCNN4-related conditions. ClinVar contains an entry for this variant (Variation ID: 2282735). Invitae Evidence Modeling of protein sequence and biophysical properties (such as structural, functional, and spatial information, amino acid conservation, physicochemical variation, residue mobility, and thermodynamic stability) indicates that this missense variant is not expected to disrupt KCNN4 protein function with a negative predictive value of 80%. In summary, the available evidence is currently insufficient to determine the role of this variant in disease. Therefore, it has been classified as a Variant of Uncertain Significance.

Ambry Genetics
Classification: Uncertain significance for Inborn genetic diseases. Last evaluated: 2024-05-20. Review status: criteria provided, single submitter. Criteria: Ambry Variant Classification Scheme 2023. Collection method: clinical testing. Allele origin: germline.

Revvity Omics, Revvity
Classification: Uncertain significance for Dehydrated hereditary stomatocytosis 2. Last evaluated: 2024-05-09. Review status: criteria provided, single submitter. Criteria: ACMG Guidelines, 2015. Collection method: clinical testing. Allele origin: germline.